The following is an entry in ClinVar:

ClinVar aggregate classification (germline): Uncertain significance (1 of 4 stars; one submission).

gnomAD v4.1: 5 of 1,609,566 alleles (0.00031%); highest among the groups gnomAD compares: Admixed American, 0.0033%; no homozygotes.

Submission:

Labcorp Genetics (formerly Invitae), Labcorp
Classification: Uncertain significance. Last evaluated: 2022-08-22. Review status: criteria provided, single submitter. Criteria: Invitae Variant Classification Sherloc (09022015). Collection method: clinical testing. Allele origin: germline.
Comment: This sequence change replaces arginine, which is basic and polar, with leucine, which is neutral and non-polar, at codon 1310 of the RTTN protein (p.Arg1310Leu). This variant is not present in population databases (gnomAD no frequency). This variant has not been reported in the literature in individuals affected with RTTN-related conditions. Algorithms developed to predict the effect of missense changes on protein structure and function are either unavailable or do not agree on the potential impact of this missense change (SIFT: "Tolerated"; PolyPhen-2: "Possibly Damaging"; Align-GVGD: "Class C0"). In summary, the available evidence is currently insufficient to determine the role of this variant in disease. Therefore, it has been classified as a Variant of Uncertain Significance.

NM_173630.4(RTTN):c.3929G>T (p.Arg1310Leu)

Gene: RTTN (rotatin; minus strand). Cytogenetic location: 18q22.2.
Variant type: single nucleotide variant.
Coding change: c.3929G>T on transcript NM_173630.4 (MANE Select); coding-DNA position 3929, G replaced by T.
Protein change: p.Arg1310Leu; replaces arginine 1310 with leucine.
Molecular consequence: missense variant.
Genome position (GRCh38, 1-based): chr18:70,092,779, C>A on the plus strand (G>T on the coding strand, the complement: RTTN is on the minus strand). VCF-style: chr18-70092779-C-A. GRCh37 (hg19) VCF-style: chr18-67760015-C-A.
Other names: c.1193G>T, p.Arg398Leu (NM_001318520.2); short protein forms R398L, R1310L.
Identifiers: ClinVar variation 1907966 (VCV001907966.2), dbSNP rs202141467, ClinGen allele CA402686174.